The following is an entry in ClinVar:

ClinVar aggregate classification (germline): Benign/Likely benign. Review status: criteria provided, multiple submitters, no conflicts (2 of 4 stars). 9 submissions from 9 submitters: Benign (2); Likely benign (4). 3 of the submissions do not count toward it. Last evaluated 2026-09-01.

Conditions:
Glycine encephalopathy. Also called: Nonketotic hyperglycinemia; Non-ketotic hyperglycinemia. Identifiers: Orphanet 407, MedGen C0751748, MONDO:0011612, HP:0008288.

Allele frequency attached by ClinVar (database versions not stated): ESP Exome Variant Server 0.00238; TOPMed 0.00398; 1000 Genomes Project 30x 0.00406; 1000 Genomes Project 0.00439; gnomAD 0.00627 and 0.00650.
gnomAD v4.1: 9,339 of 1,610,402 alleles (0.58%); highest among the groups gnomAD compares: Non-Finnish European, 0.55%; 78 homozygotes.

Submissions (16):

CeGaT Center for Human Genetics Tuebingen
Classification: Likely benign. Last evaluated: 2026-09-01. Review status: criteria provided, single submitter. Criteria: CeGaT Center For Human Genetics Tuebingen Variant Classification Criteria Version 2. Collection method: clinical testing. Allele origin: germline. Affected: yes. Observed: 25 variant alleles.
Comment: GLDC: BS2

Labcorp Genetics (formerly Invitae), Labcorp
Classification: Benign for Glycine encephalopathy. Last evaluated: 2026-02-03. Review status: criteria provided, single submitter. Criteria: Invitae Variant Classification Sherloc (09022015). Collection method: clinical testing. Allele origin: germline.

Mayo Clinic Laboratories, Mayo Clinic
Classification: Benign. Last evaluated: 2024-11-14. Review status: criteria provided, single submitter. Criteria: ACMG Guidelines, 2015. Collection method: clinical testing. Allele origin: germline. Observed: 1 variant allele.
Comment: BA1

Illumina Laboratory Services, Illumina
Classification: Likely benign for Glycine encephalopathy 1. Last evaluated: 2018-01-13. Review status: criteria provided, single submitter. Criteria: ICSL Variant Classification Criteria 13 December 2019. Collection method: clinical testing. Allele origin: germline.
Comment: This variant was observed in the ICSL laboratory as part of a predisposition screen in an ostensibly healthy population. It had not been previously curated by ICSL or reported in the Human Gene Mutation Database (HGMD: prior to June 1st, 2018), and was therefore a candidate for classification through an automated scoring system. Utilizing variant allele frequency, disease prevalence and penetrance estimates, and inheritance mode, an automated score was calculated to assess if this variant is too frequent to cause the disease. Based on the score and internal cut-off values, a variant classified as likely benign is not then subjected to further curation. The score for this variant resulted in a classification of likely benign for this disease.

Center for Pediatric Genomic Medicine, Children's Mercy Hospital and Clinics
Classification: Likely benign. Last evaluated: 2017-09-06. Review status: criteria provided, single submitter. Criteria: ACMG Guidelines, 2015. Collection method: clinical testing. Allele origin: germline.

Breakthrough Genomics
Classification: Likely benign. Review status: criteria provided, single submitter. Criteria: ACMG Guidelines, 2015. Collection method: not provided. Allele origin: germline. Inheritance: Autosomal recessive inheritance. Affected: yes.

Natera, Inc.
Classification: Benign for Non-ketotic hyperglycinemia. Last evaluated: 2020-01-08. Review status: no assertion criteria provided. Collection method: clinical testing. Allele origin: germline. Not counted in ClinVar's aggregate classification.

Diagnostic Laboratory, Department of Genetics, University Medical Center Groningen
Classification: Likely benign. Review status: no assertion criteria provided. Collection method: clinical testing. Allele origin: germline. Affected: yes. Study: VKGL Data-share Consensus. Not counted in ClinVar's aggregate classification.

Dr. Peter K. Rogan Lab, Western University
No classification provided (evidence only). Condition: Thyroid cancer, nonmedullary, 1. Review status: no classification provided. Collection method: in vitro. Allele origin: not applicable. Functional consequence: retained intron. Not counted in ClinVar's aggregate classification.

Dr. Peter K. Rogan Lab, Western University
No classification provided (evidence only). Condition: Hepatocellular carcinoma. Review status: no classification provided. Collection method: in vitro. Allele origin: not applicable. Functional consequence: retained intron. Not counted in ClinVar's aggregate classification.

Dr. Peter K. Rogan Lab, Western University
No classification provided (evidence only). Condition: Hepatocellular carcinoma. Review status: no classification provided. Collection method: in vitro. Allele origin: not applicable. Functional consequence: retained intron. Not counted in ClinVar's aggregate classification.

Dr. Peter K. Rogan Lab, Western University
No classification provided (evidence only). Condition: Ovarian serous cystadenocarcinoma. Review status: no classification provided. Collection method: in vitro. Allele origin: not applicable. Functional consequence: retained intron. Not counted in ClinVar's aggregate classification.

Dr. Peter K. Rogan Lab, Western University
No classification provided (evidence only). Condition: Ovarian serous cystadenocarcinoma. Review status: no classification provided. Collection method: in vitro. Allele origin: not applicable. Functional consequence: retained intron. Not counted in ClinVar's aggregate classification.

Dr. Peter K. Rogan Lab, Western University
No classification provided (evidence only). Condition: Malignant tumor of esophagus. Review status: no classification provided. Collection method: in vitro. Allele origin: not applicable. Functional consequence: retained intron. Not counted in ClinVar's aggregate classification.

Dr. Peter K. Rogan Lab, Western University
No classification provided (evidence only). Condition: Nonpapillary renal cell carcinoma. Review status: no classification provided. Collection method: in vitro. Allele origin: not applicable. Functional consequence: retained intron. Not counted in ClinVar's aggregate classification.

Genome Diagnostics Laboratory, University Medical Center Utrecht
Classification: Likely benign. Review status: no assertion criteria provided. Collection method: clinical testing. Allele origin: germline. Affected: yes. Study: VKGL Data-share Consensus. Not counted in ClinVar's aggregate classification.

NM_000170.3(GLDC):c.2203G>T (p.Val735Leu)

Gene: GLDC (glycine decarboxylase; minus strand). Cytogenetic location: 9p24.1.
Variant type: single nucleotide variant.
Coding change: c.2203G>T on transcript NM_000170.3 (MANE Select); coding-DNA position 2203, G replaced by T.
Protein change: p.Val735Leu; replaces valine 735 with leucine.
Molecular consequence: missense variant.
Genome position (GRCh38, 1-based): chr9:6,554,781, C>A on the plus strand (G>T on the coding strand, the complement: GLDC is on the minus strand). VCF-style: chr9-6554781-C-A. GRCh37 (hg19) VCF-style: chr9-6554781-C-A.
Other names: p.Val735Leu; short protein forms V735L.
Identifiers: ClinVar variation 367181 (VCV000367181.48), dbSNP rs143119940, ClinGen allele CA4980332.
Genomic context (GRCh38, chr9:6,554,781, plus strand): 5'-TCTTGTGAAGATTTAGGTGCGAGACATCAGACCCGAAGTCTCCAGGGCGACAGATTCCCA[C>A]CTACCACAAAGGCAAGGGCCAAAAGCAAAAGTCAAGAGCTTGGAAGCACCCTCCAGTGTG-3'
Protein context (NP_000161.2, residues 725-745): YLDGANMNAQ[Val735Leu]GICRPGDFGS